The following is an entry in ClinVar:

NM_001130987.2(DYSF):c.5742C>T (p.Phe1914=)

Gene: DYSF (dysferlin; plus strand). Cytogenetic location: 2p13.2.
Variant type: single nucleotide variant.
Coding change: c.5742C>T on transcript NM_001130987.2 (MANE Select); coding-DNA position 5742, C replaced by T.
Protein change: p.Phe1914=; no amino-acid change (phenylalanine 1914 retained).
Molecular consequence: synonymous variant.
Genome position (GRCh38, 1-based): chr2:71,669,704, C>T. VCF-style: chr2-71669704-C-T. GRCh37 (hg19) VCF-style: chr2-71896834-C-T.
Other names: c.5628C>T, p.Phe1876= (NM_001130455.2); c.5583C>T, p.Phe1861= (NM_001130976.2); c.5646C>T, p.Phe1882= (NM_001130977.2); c.5688C>T, p.Phe1896= (NM_001130978.2); c.5718C>T, p.Phe1906= (NM_001130979.2); c.5676C>T, p.Phe1892= (NM_001130980.2); c.5739C>T, p.Phe1913= (NM_001130981.2); c.5721C>T, p.Phe1907= (NM_001130982.2); and 5 more.
Identifiers: ClinVar variation 289915 (VCV000289915.26), dbSNP rs769289729, ClinGen allele CA1707484.
Genomic context (GRCh38, chr2:71,669,704, plus strand): 5'-CGTGCATTATCGTTCCCTGGGAGGTGAAGGCAACTTCAACTGGAGGTTCATTTTCCCCTT[C>T]GACTACCTGCCAGCTGAGCAAGTCTGTACCATTGCCAAGAAGGTCAGTGTCCTTCCGATT-3'
Protein context (NP_001124459.1, residues 1904-1924): GNFNWRFIFP[Phe1914=]DYLPAEQVCT

ClinVar aggregate classification (germline): Conflicting classifications of pathogenicity. Review status: criteria provided, conflicting classifications (1 of 4 stars). 7 submissions from 7 submitters: Uncertain significance (2); Likely benign (4). 1 of the submissions does not count toward it. Last evaluated 2026-01-28.

Conditions:
DYSF-related disorder. Also called: DYSF-related condition; DYSF-related disorders.
Neuromuscular disease caused by qualitative or quantitative defects of dysferlin. Also called: Qualitative or quantitative defects of dysferlin; Dysferlinopathy. Identifiers: Orphanet 207073, MedGen C2931687, MONDO:0016145.

Allele frequency attached by ClinVar (database versions not stated): gnomAD exomes 0.00003 and 0.00006; gnomAD 0.00004; ExAC 0.00006; TOPMed 0.00007.
gnomAD v4.1: 51 of 1,614,054 alleles (0.0032%); highest among the groups gnomAD compares: Middle Eastern, 0.082%; no homozygotes.

Submissions (7):

Labcorp Genetics (formerly Invitae), Labcorp
Classification: Likely benign for Neuromuscular disease caused by qualitative or quantitative defects of dysferlin. Last evaluated: 2026-01-28. Review status: criteria provided, single submitter. Criteria: Invitae Variant Classification Sherloc (09022015). Collection method: clinical testing. Allele origin: germline.

Laboratory of Genetics, Children's Clinical University Hospital Latvia
Classification: Likely benign. Last evaluated: 2025-02-16. Review status: criteria provided, single submitter. Criteria: ACMG Guidelines, 2015. Collection method: clinical testing. Allele origin: germline. Affected: yes.

Blueprint Genetics
Classification: Likely benign. Last evaluated: 2023-01-16. Review status: criteria provided, single submitter. Criteria: ACMG Guidelines, 2015. Collection method: clinical testing. Allele origin: germline.

GeneDx
Classification: Likely benign. Last evaluated: 2020-08-26. Review status: criteria provided, single submitter. Criteria: GeneDx Variant Classification Process June 2021. Collection method: clinical testing. Allele origin: germline. Affected: yes.

Revvity Omics, Revvity
Classification: Uncertain significance. Last evaluated: 2019-04-01. Review status: criteria provided, single submitter. Criteria: ACMG Guidelines, 2015. Collection method: clinical testing. Allele origin: germline.

Eurofins Ntd Llc (ga)
Classification: Uncertain significance. Last evaluated: 2018-06-01. Review status: criteria provided, single submitter. Criteria: EGL ClinVar v180209 classification definitions. Collection method: clinical testing. Allele origin: germline. Observed: 3 variant alleles, 3 heterozygotes.

PreventionGenetics, part of Exact Sciences
Classification: Likely benign for DYSF-related condition. Last evaluated: 2021-10-05. Review status: no assertion criteria provided. Collection method: clinical testing. Allele origin: germline. Not counted in ClinVar's aggregate classification.
Comment: This variant is classified as likely benign based on ACMG/AMP sequence variant interpretation guidelines (Richards et al. 2015 PMID: 25741868, with internal and published modifications).